The following is an entry in ClinVar:

NM_000182.5(HADHA):c.1491_1495dup (p.Tyr499fs)

Genes: GAREM2 (GRB2 associated regulator of MAPK1 subtype 2; plus strand), HADHA (hydroxyacyl-CoA dehydrogenase trifunctional multienzyme complex subunit alpha; minus strand). Cytogenetic location: 2p23.3.
Variant type: Duplication.
Coding change: c.1491_1495dup on transcript NM_000182.5 (MANE Select); coding-DNA positions 1491 to 1495, 5 bases duplicated (GCACT; older notation c.1491_1495dupGCACT).
Protein change: p.Tyr499fs; shifts the reading frame from tyrosine 499.
Molecular consequence: frameshift variant.
Genome position (GRCh38, 1-based): chr2:26,195,217-26,195,221, AGTGC duplicated on the plus strand (GCACT on the coding strand, the reverse complement: HADHA is on the minus strand); duplicating any 5 consecutive bases within chr2:26,195,217-26,195,222 gives the same sequence; the c. name uses the placement nearest the transcript's 3' end. VCF-style (leftmost placement, unchanged base first): chr2-26195216-T-TAGTGC. GRCh37 (hg19) VCF-style: chr2-26418085-T-TAGTGC.
Other names: short protein forms Y499fs.
Identifiers: ClinVar variation 1455936 (VCV001455936.6), dbSNP rs2147753741, ClinGen allele CA2573134477.

ClinVar aggregate classification (germline): Pathogenic (1 of 4 stars; one submission).

Conditions:
Mitochondrial trifunctional protein deficiency. Identifiers: Orphanet 746, MedGen C1969443, MONDO:0012172.
Long chain 3-hydroxyacyl-CoA dehydrogenase deficiency. Also called: LCHAD Deficiency; Deficiency of long-chain 3-hydroxyacyl-coenzyme A dehydrogenase. Identifiers: Orphanet 5, MedGen C3711645, MONDO:0012173, OMIM 609016.

Submission:

Labcorp Genetics (formerly Invitae), Labcorp
Classification: Pathogenic for Mitochondrial trifunctional protein deficiency; Long chain 3-hydroxyacyl-CoA dehydrogenase deficiency. Last evaluated: 2022-09-12. Review status: criteria provided, single submitter. Criteria: Invitae Variant Classification Sherloc (09022015). Collection method: clinical testing. Allele origin: germline.
Comment: For these reasons, this variant has been classified as Pathogenic. ClinVar contains an entry for this variant (Variation ID: 1455936). This variant has not been reported in the literature in individuals affected with HADHA-related conditions. This variant is not present in population databases (gnomAD no frequency). This sequence change creates a premature translational stop signal (p.Tyr499Cysfs*30) in the HADHA gene. It is expected to result in an absent or disrupted protein product. Loss-of-function variants in HADHA are known to be pathogenic (PMID: 7738175, 21103935, 21549624, 22459206).

Literature cited by the submitters: PubMed 7738175; PubMed 21103935; PubMed 21549624; PubMed 22459206.